The following is an entry in ClinVar:

ClinVar aggregate classification (germline): Uncertain significance (1 of 4 stars; one submission).

gnomAD v4.1: 1 of 1,610,768 alleles (0.000062%); no homozygotes.

Submission:

Labcorp Genetics (formerly Invitae), Labcorp
Classification: Uncertain significance. Last evaluated: 2025-11-27. Review status: criteria provided, single submitter. Criteria: Invitae Variant Classification Sherloc (09022015). Collection method: clinical testing. Allele origin: germline.
Comment: This sequence change replaces valine, which is neutral and non-polar, with isoleucine, which is neutral and non-polar, at codon 517 of the TFRC protein (p.Val517Ile). This variant is present in population databases (rs768134450, gnomAD 0.007%). This variant has not been reported in the literature in individuals affected with TFRC-related conditions. An algorithm developed to predict the effect of missense changes on protein structure and function outputs the following: PolyPhen-2: "Benign". The isoleucine amino acid residue is found in multiple mammalian species, which suggests that this missense change does not adversely affect protein function. In summary, the available evidence is currently insufficient to determine the role of this variant in disease. Therefore, it has been classified as a Variant of Uncertain Significance.

NM_001128148.3(TFRC):c.1549G>A (p.Val517Ile)

Gene: TFRC (transferrin receptor; minus strand). Cytogenetic location: 3q29.
Variant type: single nucleotide variant.
Coding change: c.1549G>A on transcript NM_001128148.3 (MANE Select); coding-DNA position 1549, G replaced by A.
Protein change: p.Val517Ile; replaces valine 517 with isoleucine.
Molecular consequence: missense variant.
Genome position (GRCh38, 1-based): chr3:196,058,620, C>T on the plus strand (G>A on the coding strand, the complement: TFRC is on the minus strand). VCF-style: chr3-196058620-C-T. GRCh37 (hg19) VCF-style: chr3-195785491-C-T.
Other names: c.1306G>A, p.Val436Ile (NM_001313965.2); c.703G>A, p.Val235Ile (NM_001313966.2); c.1549G>A, p.Val517Ile (NM_003234.4); short protein forms V436I, V235I, V517I.
Identifiers: ClinVar variation 4780665 (VCV004780665.1).